The following is an entry in ClinVar:

NM_000044.6(AR):c.1443C>G (p.Tyr481Ter)

Gene: AR (androgen receptor; plus strand). Cytogenetic location: Xq12.
Variant type: single nucleotide variant.
Coding change: c.1443C>G on transcript NM_000044.6 (MANE Select); coding-DNA position 1443, C replaced by G.
Protein change: p.Tyr481Ter; replaces tyrosine 481 with a stop codon.
Molecular consequence: nonsense. On other transcripts: 5 prime UTR variant (1).
Genome position (GRCh38, 1-based): chrX:67,546,589, C>G. VCF-style: chrX-67546589-C-G. GRCh37 (hg19) VCF-style: chrX-66766431-C-G.
Other names: c.-341C>G (NM_001011645.3); c.1443C>G, p.Tyr481Ter (NM_001348061.1, NM_001348063.1, NM_001348064.1); short protein forms Y481*.
Identifiers: ClinVar variation 458358 (VCV000458358.15), dbSNP rs766161615, ClinGen allele CA413427364.

ClinVar aggregate classification (germline): Pathogenic. Review status: criteria provided, multiple submitters, no conflicts (2 of 4 stars). 3 submissions from 3 submitters: Pathogenic (3). Last evaluated 2026-06-02.

Conditions:
AR-related disorder. Also called: AR-related condition.
Kennedy disease (SMAX1). Also called: SPINAL AND BULBAR MUSCULAR ATROPHY, X-LINKED 1; KENNEDY SPINAL AND BULBAR MUSCULAR ATROPHY; Spinal and Bulbar Muscular Atrophy. Identifiers: Orphanet 481, MedGen C1839259, MONDO:0010735, OMIM 313200.
Androgen resistance syndrome (AIS). Also called: Androgen insensitivity; DHTR DEFICIENCY; TESTICULAR FEMINIZATION SYNDROME; ANDROGEN RECEPTOR DEFICIENCY; DIHYDROTESTOSTERONE RECEPTOR DEFICIENCY; Androgen insensitivity syndrome. Identifiers: Orphanet 754, Orphanet 99429, MedGen C0039585, MONDO:0019154, OMIM 300068. Disease mechanism: loss of function.

gnomAD v4.1: 1 of 1,165,890 alleles (0.000086%); no homozygotes.

Submissions (3):

PreventionGenetics, part of Exact Sciences
Classification: Pathogenic for AR-related condition. Last evaluated: 2026-06-02. Review status: criteria provided, single submitter. Criteria: ACMG Guidelines, 2015. Collection method: clinical testing. Allele origin: germline.
Comment: The AR c.1443C>G variant is predicted to result in premature protein termination (p.Tyr481*). This variant has been reported in individuals with complete androgen insensitivity syndrome and/or 46,XY disorders of sex development (Arya et al. 2021. PubMed ID: 34333495; Kulkarni et al. 2023. PubMed ID: 36617173). This variant has not been reported in a large population database (gnomAD), indicating this variant is rare. Nonsense variants in AR are expected to be pathogenic. This variant is interpreted as pathogenic.

Labcorp Genetics (formerly Invitae), Labcorp
Classification: Pathogenic for Kennedy disease; Androgen resistance syndrome. Last evaluated: 2017-02-09. Review status: criteria provided, single submitter. Criteria: Invitae Variant Classification Sherloc (09022015). Collection method: clinical testing. Allele origin: germline.
Comment: For these reasons, this variant has been classified as Pathogenic. While this particular variant has not been reported in the literature, loss-of-function variants in AR are known to be pathogenic (PMID: 19463997). However, a different variant (c.1443C>A), which also results in a premature termination codon at the same position (referred as Tyr480Stop in the literature), has been observed in an individual affected with androgen insensitivty syndrome (PMID: 10571951). This sequence change creates a premature translational stop signal at codon 481 (p.Tyr481*) of the AR gene. It is expected to result in an absent or disrupted protein product.

Dept. of Cytogenetics, ICMR- National Institute of Immunohaematology
Classification: Pathogenic for Androgen resistance syndrome. Review status: criteria provided, single submitter. Criteria: ACMG Guidelines, 2015. Collection method: clinical testing. Allele origin: germline. Affected: yes. Observed: 1 hemizygote.

Literature cited by the submitters: PubMed 19463997 (cited by Labcorp Genetics (formerly Invitae), Labcorp); PubMed 10571951 (cited by Labcorp Genetics (formerly Invitae), Labcorp).